The following is an entry in ClinVar:

NM_001283009.2(RTEL1):c.3005C>T (p.Pro1002Leu)

Genes: RTEL1 (regulator of telomere elongation helicase 1; plus strand), RTEL1-TNFRSF6B (RTEL1-TNFRSF6B readthrough (NMD candidate); plus strand). Cytogenetic location: 20q13.33.
Variant type: single nucleotide variant.
Coding change: c.3005C>T on transcript NM_001283009.2 (MANE Select); coding-DNA position 3005, C replaced by T.
Protein change: p.Pro1002Leu; replaces proline 1002 with leucine.
Molecular consequence: missense variant. On other transcripts: non-coding transcript variant (1).
Genome position (GRCh38, 1-based): chr20:63,694,384, C>T. VCF-style: chr20-63694384-C-T. GRCh37 (hg19) VCF-style: chr20-62325737-C-T.
Other names: c.2336C>T, p.Pro779Leu (NM_001283010.1); c.3005C>T, p.Pro1002Leu (NM_016434.4); c.3077C>T, p.Pro1026Leu (NM_032957.5); c.3077C>T (NM_032957.4); short protein forms P1002L, P779L, P1026L.
Identifiers: ClinVar variation 2054109 (VCV002054109.6), dbSNP rs767735975, ClinGen allele CA9965794.

ClinVar aggregate classification (germline): Conflicting classifications of pathogenicity. Review status: criteria provided, conflicting classifications (1 of 4 stars). 3 submissions from 3 submitters: Uncertain significance (2); Likely benign (1). Last evaluated 2025-10-10.

Conditions:
Pulmonary fibrosis and/or bone marrow failure, Telomere-related, 3. Also called: PULMONARY FIBROSIS AND/OR BONE MARROW FAILURE SYNDROME, TELOMERE-RELATED, 3. Identifiers: Orphanet 2032, MedGen C4225346, MONDO:0014613, OMIM 616373.
Dyskeratosis congenita, autosomal recessive 5 (DKCB5). Identifiers: MedGen C3554656, MONDO:0014076, OMIM 615190.
Inborn genetic diseases. Identifiers: MedGen C0950123, MeSH D030342.

gnomAD v4.1: 40 of 1,612,178 alleles (0.0025%); highest among the groups gnomAD compares: South Asian, 0.012%; no homozygotes.

Submissions (3):

Ambry Genetics
Classification: Likely benign for Inborn genetic diseases. Last evaluated: 2025-10-10. Review status: criteria provided, single submitter. Criteria: Ambry Variant Classification Scheme 2023. Collection method: clinical testing. Allele origin: germline.

Labcorp Genetics (formerly Invitae), Labcorp
Classification: Uncertain significance for Dyskeratosis congenita, autosomal recessive 5; Pulmonary fibrosis and/or bone marrow failure, Telomere-related, 3. Last evaluated: 2025-08-04. Review status: criteria provided, single submitter. Criteria: Invitae Variant Classification Sherloc (09022015). Collection method: clinical testing. Allele origin: germline.
Comment: This sequence change replaces proline, which is neutral and non-polar, with leucine, which is neutral and non-polar, at codon 1002 of the RTEL1 protein (p.Pro1002Leu). This variant is present in population databases (rs767735975, gnomAD 0.01%). This variant has not been reported in the literature in individuals affected with RTEL1-related conditions. ClinVar contains an entry for this variant (Variation ID: 2054109). An algorithm developed to predict the effect of missense changes on protein structure and function outputs the following: PolyPhen-2: "Benign". The leucine amino acid residue is found in multiple mammalian species, which suggests that this missense change does not adversely affect protein function. In summary, the available evidence is currently insufficient to determine the role of this variant in disease. Therefore, it has been classified as a Variant of Uncertain Significance.

Fulgent Genetics
Classification: Uncertain significance for Dyskeratosis congenita, autosomal recessive 5; Pulmonary fibrosis and/or bone marrow failure, Telomere-related, 3. Last evaluated: 2024-05-23. Review status: criteria provided, single submitter. Criteria: ACMG Guidelines, 2015. Collection method: clinical testing. Allele origin: germline.